The following is an entry in ClinVar:

NM_000069.3(CACNA1S):c.4316G>A (p.Cys1439Tyr)

Gene: CACNA1S (calcium voltage-gated channel subunit alpha1 S; minus strand). Cytogenetic location: 1q32.1.
Variant type: single nucleotide variant.
Coding change: c.4316G>A on transcript NM_000069.3 (MANE Select); coding-DNA position 4316, G replaced by A.
Protein change: p.Cys1439Tyr; replaces cysteine 1439 with tyrosine.
Molecular consequence: missense variant.
Genome position (GRCh38, 1-based): chr1:201,049,025, C>T on the plus strand (G>A on the coding strand, the complement: CACNA1S is on the minus strand). VCF-style: chr1-201049025-C-T. GRCh37 (hg19) VCF-style: chr1-201018153-C-T.
Other names: short protein forms C1439Y.
Identifiers: ClinVar variation 2922553 (VCV002922553.3), dbSNP rs2102555595, ClinGen allele CA344146098.

ClinVar aggregate classification (germline): Uncertain significance (1 of 4 stars; one submission).

Conditions:
Malignant hyperthermia, susceptibility to, 5 (MHS5). Also called: CACNA1S-Related Malignant Hyperthermia Susceptibility. Identifiers: Orphanet 423, MedGen C1866077, MONDO:0011163, OMIM 601887.
Hypokalemic periodic paralysis, type 1. Also called: Hypokalemic Periodic Paralysis Type 1 (AD); HypoPP. Identifiers: Orphanet 681, MedGen C3714580, MONDO:0042979, OMIM 170400.

Submission:

Labcorp Genetics (formerly Invitae), Labcorp
Classification: Uncertain significance for Hypokalemic periodic paralysis, type 1; Malignant hyperthermia, susceptibility to, 5. Last evaluated: 2023-12-12. Review status: criteria provided, single submitter. Criteria: Invitae Variant Classification Sherloc (09022015). Collection method: clinical testing. Allele origin: germline.
Comment: This sequence change replaces cysteine, which is neutral and slightly polar, with tyrosine, which is neutral and polar, at codon 1439 of the CACNA1S protein (p.Cys1439Tyr). This variant is not present in population databases (gnomAD no frequency). This variant has not been reported in the literature in individuals affected with CACNA1S-related conditions. Advanced modeling of protein sequence and biophysical properties (such as structural, functional, and spatial information, amino acid conservation, physicochemical variation, residue mobility, and thermodynamic stability) performed at Invitae indicates that this missense variant is expected to disrupt CACNA1S protein function with a positive predictive value of 80%. In summary, the available evidence is currently insufficient to determine the role of this variant in disease. Therefore, it has been classified as a Variant of Uncertain Significance.